The following is an entry in ClinVar:

ClinVar aggregate classification (germline): Uncertain significance (1 of 4 stars; one submission).

gnomAD v4.1: 1 of 1,614,192 alleles (0.000062%); highest among the groups gnomAD compares: Non-Finnish European, 0.000085%; no homozygotes.

Submission:

GeneDx
Classification: Uncertain significance. Last evaluated: 2024-12-30. Review status: criteria provided, single submitter. Criteria: GeneDx Variant Classification Process June 2021. Collection method: clinical testing. Allele origin: germline. Affected: yes.
Comment: Not observed at significant frequency in large population cohorts (gnomAD); In silico analysis indicates that this missense variant does not alter protein structure/function; Has not been previously published as pathogenic or benign to our knowledge

NM_001145358.2(SIN3A):c.3770T>C (p.Val1257Ala)

Gene: SIN3A (SIN3 transcription regulator family member A; minus strand). Cytogenetic location: 15q24.2.
Variant type: single nucleotide variant.
Coding change: c.3770T>C on transcript NM_001145358.2 (MANE Select); coding-DNA position 3770, T replaced by C.
Protein change: p.Val1257Ala; replaces valine 1257 with alanine.
Molecular consequence: missense variant.
Genome position (GRCh38, 1-based): chr15:75,372,031, A>G on the plus strand (T>C on the coding strand, the complement: SIN3A is on the minus strand). VCF-style: chr15-75372031-A-G. GRCh37 (hg19) VCF-style: chr15-75664372-A-G.
Other names: c.3770T>C, p.Val1257Ala (NM_001145357.2, NM_015477.3); short protein forms V1257A.
Identifiers: ClinVar variation 4055889 (VCV004055889.1).
Genomic context (GRCh38, chr15:75,372,031, plus strand): 5'-CTTTGCAGTTAAGGGGCTTTGAATACTGTGCCGTATTTGACACGATACTTGTTAATGCTC[A>G]CAAAATGCAGGGTCTCTGTATCACAGGTGGTGGTACAGGGCACCAGGCCCTCCAGCCCCT-3'
Protein context (NP_001138830.1, residues 1247-1267): TTCDTETLHF[Val1257Ala]SINKYRVKYG